The following is an entry in ClinVar:

ClinVar aggregate classification (germline): Uncertain significance. Review status: criteria provided, multiple submitters, no conflicts (2 of 4 stars). 3 submissions from 3 submitters: Uncertain significance (3). Last evaluated 2026-01-21.

Conditions:
Stickler syndrome, type I, nonsyndromic ocular. Also called: STICKLER SYNDROME, ATYPICAL; STICKLER SYNDROME, TYPE I, PREDOMINANTLY OCULAR. Identifiers: MedGen C1836080, MONDO:0012287, OMIM 609508.

Allele frequency attached by ClinVar (database versions not stated): TOPMed below 0.00001; gnomAD 0.00001.

Submissions (3):

Labcorp Genetics (formerly Invitae), Labcorp
Classification: Uncertain significance. Last evaluated: 2026-01-21. Review status: criteria provided, single submitter. Criteria: Invitae Variant Classification Sherloc (09022015). Collection method: clinical testing. Allele origin: germline.
Comment: This sequence change replaces methionine, which is neutral and non-polar, with lysine, which is basic and polar, at codon 323 of the COL2A1 protein (p.Met323Lys). This variant is present in population databases (no rsID available, gnomAD 0.007%). This variant has not been reported in the literature in individuals affected with COL2A1-related conditions. ClinVar contains an entry for this variant (Variation ID: 1201423). Experimental studies and prediction algorithms are not available or were not evaluated, and the functional significance of this variant is currently unknown. In summary, the available evidence is currently insufficient to determine the role of this variant in disease. Therefore, it has been classified as a Variant of Uncertain Significance.

Genetics and Molecular Pathology, SA Pathology
Classification: Uncertain significance for Stickler syndrome, type I, nonsyndromic ocular. Last evaluated: 2021-10-19. Review status: criteria provided, single submitter. Criteria: ACMG Guidelines, 2015. Collection method: clinical testing. Allele origin: germline. Inheritance: Autosomal dominant inheritance. Affected: yes.
Comment: The COL2A1 c.968T>A variant is classified as a VARIANT OF UNCERTAIN SIGNIFICANCE (PM2) This variant is a single nucleotide change from a thymine to an adenine at position 968 which is predicted to change the methionine at position 323 in the protein to lysine. The variant is in exon 15/54 of the COL2A1 gene. The variant is in dbSNP (rs1380248932) but is rare in population databases (gnamAD 1/31368, 0 homozygotes) (PM2). The variant has been reported in ClinVar as VUS. The variant has not been reported in HGMD. Computational predictions are conflicting.

GeneDx
Classification: Uncertain significance. Last evaluated: 2019-05-07. Review status: criteria provided, single submitter. Criteria: GeneDx Variant Classification Process June 2021. Collection method: clinical testing. Allele origin: germline. Affected: yes.
Comment: In silico analysis, which includes protein predictors and evolutionary conservation, supports a deleterious effect; Has not been previously published as pathogenic or benign to our knowledge

NM_001844.5(COL2A1):c.968T>A (p.Met323Lys)

Gene: COL2A1 (collagen type II alpha 1 chain; minus strand). Cytogenetic location: 12q13.11.
Variant type: single nucleotide variant.
Coding change: c.968T>A on transcript NM_001844.5 (MANE Select); coding-DNA position 968, T replaced by A.
Protein change: p.Met323Lys; replaces methionine 323 with lysine.
Molecular consequence: missense variant.
Genome position (GRCh38, 1-based): chr12:47,993,459, A>T on the plus strand (T>A on the coding strand, the complement: COL2A1 is on the minus strand). VCF-style: chr12-47993459-A-T. GRCh37 (hg19) VCF-style: chr12-48387242-A-T.
Other names: c.761T>A, p.Met254Lys (NM_033150.3); short protein forms M254K, M323K.
Identifiers: ClinVar variation 1201423 (VCV001201423.10), dbSNP rs1380248932, ClinGen allele CA384521755.